The following is an entry in ClinVar:

ClinVar aggregate classification (germline): Likely benign (1 of 4 stars; one submission).

Allele frequency attached by ClinVar (database versions not stated): TOPMed 0.00001.
gnomAD v4.1: 33 of 1,550,204 alleles (0.0021%); highest among the groups gnomAD compares: South Asian, 0.0071%; no homozygotes.

Submission:

GeneDx
Classification: Likely benign. Last evaluated: 2017-08-23. Review status: criteria provided, single submitter. Criteria: GeneDx Variant Classification (06012015). Collection method: clinical testing. Allele origin: germline. Affected: yes.
Comment: This variant is considered likely benign or benign based on one or more of the following criteria: it is a conservative change, it occurs at a poorly conserved position in the protein, it is predicted to be benign by multiple in silico algorithms, and/or has population frequency not consistent with disease.

NM_003321.5(TUFM):c.-22C>A

Genes: TUFM (Tu translation elongation factor, mitochondrial; minus strand), LOC130058735 (ATAC-STARR-seq lymphoblastoid active region 10645; plus strand). Cytogenetic location: 16p11.2.
Variant type: single nucleotide variant.
Coding change: c.-22C>A on transcript NM_003321.5 (MANE Select); 22 bases upstream of the start codon, C replaced by A.
Molecular consequence: 5 prime UTR variant.
Genome position (GRCh38, 1-based): chr16:28,846,291, G>T on the plus strand (C>A on the coding strand, the complement: TUFM is on the minus strand). VCF-style: chr16-28846291-G-T. GRCh37 (hg19) VCF-style: chr16-28857612-G-T.
Other names: c.-22C>A (NM_001365360.2).
Identifiers: ClinVar variation 511374 (VCV000511374.1), dbSNP rs548579608, ClinGen allele CA7985794.